The following is an entry in ClinVar:

ClinVar aggregate classification (germline): Uncertain significance (1 of 4 stars; one submission).

Submission:

GeneDx
Classification: Uncertain significance. Last evaluated: 2024-11-27. Review status: criteria provided, single submitter. Criteria: GeneDx Variant Classification Process June 2021. Collection method: clinical testing. Allele origin: germline. Affected: yes.
Comment: Not observed at significant frequency in large population cohorts (gnomAD); In silico analysis supports that this missense variant has a deleterious effect on protein structure/function; Has not been previously published as pathogenic or benign to our knowledge

NM_021096.4(CACNA1I):c.402G>T (p.Met134Ile)

Gene: CACNA1I (calcium voltage-gated channel subunit alpha1 I; plus strand). Cytogenetic location: 22q13.1.
Variant type: single nucleotide variant.
Coding change: c.402G>T on transcript NM_021096.4 (MANE Select); coding-DNA position 402, G replaced by T.
Protein change: p.Met134Ile; replaces methionine 134 with isoleucine.
Molecular consequence: missense variant.
Genome position (GRCh38, 1-based): chr22:39,600,573, G>T. VCF-style: chr22-39600573-G-T. GRCh37 (hg19) VCF-style: chr22-39996578-G-T.
Other names: c.402G>T, p.Met134Ile (NM_001003406.2); short protein forms M134I.
Identifiers: ClinVar variation 3900848 (VCV003900848.1).